The following is an entry in ClinVar:

ClinVar aggregate classification (germline): Uncertain significance (1 of 4 stars; one submission).

Conditions:
Brown-Vialetto-van Laere syndrome 1. Also called: BROWN-VIALETTO-VAN LAERE SYNDROME 1, MILD; BULBAR PALSY, PROGRESSIVE, WITH SENSORINEURAL DEAFNESS; PONTOBULBAR PALSY WITH DEAFNESS. Identifiers: Orphanet 572550, Orphanet 97229, MedGen C0796274, MONDO:0024537, OMIM 211530.

Allele frequency attached by ClinVar (database versions not stated): gnomAD 0.00001.
gnomAD v4.1: 8 of 1,614,000 alleles (0.0005%); highest among the groups gnomAD compares: Admixed American, 0.0017%; no homozygotes.

Submission:

Labcorp Genetics (formerly Invitae), Labcorp
Classification: Uncertain significance for Brown-Vialetto-van Laere syndrome 1. Last evaluated: 2022-05-12. Review status: criteria provided, single submitter. Criteria: Invitae Variant Classification Sherloc (09022015). Collection method: clinical testing. Allele origin: germline.
Comment: In summary, the available evidence is currently insufficient to determine the role of this variant in disease. Therefore, it has been classified as a Variant of Uncertain Significance. Algorithms developed to predict the effect of missense changes on protein structure and function output the following: SIFT: "Tolerated"; PolyPhen-2: "Benign"; Align-GVGD: "Class C0". The isoleucine amino acid residue is found in multiple mammalian species, which suggests that this missense change does not adversely affect protein function. This variant has not been reported in the literature in individuals affected with SLC52A3-related conditions. This variant is present in population databases (no rsID available, gnomAD 0.01%). This sequence change replaces valine, which is neutral and non-polar, with isoleucine, which is neutral and non-polar, at codon 240 of the SLC52A3 protein (p.Val240Ile).

NM_033409.4(SLC52A3):c.718G>A (p.Val240Ile)

Gene: SLC52A3 (solute carrier family 52 member 3; minus strand). Cytogenetic location: 20p13.
Variant type: single nucleotide variant.
Coding change: c.718G>A on transcript NM_033409.4 (MANE Select); coding-DNA position 718, G replaced by A.
Protein change: p.Val240Ile; replaces valine 240 with isoleucine.
Molecular consequence: missense variant.
Genome position (GRCh38, 1-based): chr20:763,853, C>T on the plus strand (G>A on the coding strand, the complement: SLC52A3 is on the minus strand). VCF-style: chr20-763853-C-T. GRCh37 (hg19) VCF-style: chr20-744497-C-T.
Other names: c.718G>A, p.Val240Ile (NM_001370085.1, NM_001370086.1); short protein forms V240I.
Identifiers: ClinVar variation 1968757 (VCV001968757.5), dbSNP rs1436100312, ClinGen allele CA407963248.
Genomic context (GRCh38, chr20:763,853, plus strand): 5'-CCTGGTCATTGAGGAGGTCTTCCACGGAAGCCTCCCAGCACCTGGGTTGACGCTGGAGGA[C>T]AAAGAACGCCACGAGGCAGCAGGCCATCATGATGGATAGGAGGAGGAAGAAGACCAGGGG-3'
Protein context (NP_212134.3, residues 230-250): MMACCLVAFF[Val240Ile]LQRQPRCWEA